The following is an entry in ClinVar:

NC_000013.11:g.32332710_32332720delinsACAT

Gene: BRCA2 (BRCA2 DNA repair associated; plus strand). Cytogenetic location: 13q13.1.
Variant type: Indel.
Genome position: GRCh38 VCF-style: chr13-32332710-TACCCCTATTG-ACAT. GRCh37 (hg19) VCF-style: chr13-32906847-TACCCCTATTG-ACAT.
Other names: 1460del11ins4; c.1232_1242delinsACAT, p.Ile411fs (LRG_293t1).
Identifiers: ClinVar variation 266617 (VCV000266617.5), dbSNP rs886040350, ClinGen allele CA10589078.

ClinVar aggregate classification (germline): Pathogenic. Review status: reviewed by expert panel (3 of 4 stars). 2 submissions from 2 submitters: Pathogenic (1). 1 of the submissions does not count toward it. Last evaluated 2016-10-18.

Conditions:
Breast-ovarian cancer, familial, susceptibility to, 2 (BROVCA2). Also called: BRCA2 Hereditary Breast and Ovarian Cancer. Identifiers: Orphanet 145, MedGen C2675520, MONDO:0012933, OMIM 612555. Disease mechanism: loss of function.

Submissions (2):

Evidence-based Network for the Interpretation of Germline Mutant Alleles (ENIGMA)
Classification: Pathogenic for Breast-ovarian cancer, familial, susceptibility to, 2. Last evaluated: 2016-10-18. Review status: reviewed by expert panel. Criteria: ENIGMA BRCA1/2 Classification Criteria (2015). Collection method: curation. Allele origin: germline.
Comment: Variant allele predicted to encode a truncated non-functional protein.

Consortium of Investigators of Modifiers of BRCA1/2 (CIMBA), c/o University of Cambridge
Classification: Pathogenic for Breast-ovarian cancer, familial, susceptibility to, 2. Last evaluated: 2015-10-02. Review status: criteria provided, single submitter. Criteria: CIMBA Mutation Classification guidelines May 2016. Collection method: clinical testing. Allele origin: germline. Not counted in ClinVar's aggregate classification.